The following is an entry in ClinVar:

NM_016169.4(SUFU):c.841_842delinsA (p.Pro281fs)

Gene: SUFU (SUFU negative regulator of hedgehog signaling; plus strand). Cytogenetic location: 10q24.32.
Variant type: Indel.
Coding change: c.841_842delinsA on transcript NM_016169.4 (MANE Select); coding-DNA positions 841 to 842, CC replaced by A.
Protein change: p.Pro281fs; shifts the reading frame from proline 281.
Molecular consequence: frameshift variant.
Genome position (GRCh38, 1-based): chr10:102,597,224-102,597,225, CC replaced by A. VCF-style: chr10-102597224-CC-A. GRCh37 (hg19) VCF-style: chr10-104356981-CC-A.
Other names: c.841_842delinsA, p.Pro281fs (NM_001178133.2); short protein forms P281fs.
Identifiers: ClinVar variation 4759327 (VCV004759327.1).

ClinVar aggregate classification (germline): Likely pathogenic (1 of 4 stars; one submission).

Conditions:
Basal cell nevus syndrome 2 (BCNS2). Also called: NEVOID BASAL CELL CARCINOMA SYNDROME 2. Identifiers: MedGen C5830451, MONDO:0958189, OMIM 620343.

Submission:

Institute for Genomic Medicine (IGM) Clinical Laboratory, Nationwide Children's Hospital
Classification: Likely pathogenic for Basal cell nevus syndrome 2. Last evaluated: 2023-03-03. Review status: criteria provided, single submitter. Criteria: ACMG Guidelines, 2015. Collection method: clinical testing. Allele origin: germline.
Comment: This variant is predicted to result in loss of function through nonsense-mediated decay of the encoded transcript or premature truncation of the encoded protein in a gene in which loss of function is a known mechanism of disease (ACMG/AMP: PVS1; PMIDs:12068298, 21188540). This variant is absent from or present at an exceedingly low frequency in gnomAD, a large-scale control population database (ACMG/AMP: PM2).

Literature cited by the submitters: PubMed 12068298; PubMed 21188540.